The following is an entry in ClinVar:

ClinVar aggregate classification (germline): Conflicting classifications of pathogenicity. Review status: criteria provided, conflicting classifications (1 of 4 stars). 3 submissions from 3 submitters: Uncertain significance (2); Likely benign (1). Last evaluated 2024-10-15.

Allele frequency attached by ClinVar (database versions not stated): gnomAD exomes 0.00004 and 0.00007; TOPMed 0.00004; gnomAD 0.00005; ExAC 0.00006.
gnomAD v4.1: 85 of 1,368,118 alleles (0.0062%); highest among the groups gnomAD compares: Middle Eastern, 0.018%; no homozygotes.

Submissions (3):

Labcorp Genetics (formerly Invitae), Labcorp
Classification: Uncertain significance. Last evaluated: 2024-10-15. Review status: criteria provided, single submitter. Criteria: Invitae Variant Classification Sherloc (09022015). Collection method: clinical testing. Allele origin: germline.
Comment: This sequence change falls in intron 19 of the PDE6C gene. It does not directly change the encoded amino acid sequence of the PDE6C protein. It affects a nucleotide within the consensus splice site. This variant is present in population databases (rs771856389, gnomAD 0.008%). This variant has not been reported in the literature in individuals affected with PDE6C-related conditions. ClinVar contains an entry for this variant (Variation ID: 806546). Variants that disrupt the consensus splice site are a relatively common cause of aberrant splicing (PMID: 17576681, 9536098). Algorithms developed to predict the effect of sequence changes on RNA splicing suggest that this variant is not likely to affect RNA splicing. In summary, the available evidence is currently insufficient to determine the role of this variant in disease. Therefore, it has been classified as a Variant of Uncertain Significance.

Blueprint Genetics
Classification: Likely benign. Last evaluated: 2024-09-08. Review status: criteria provided, single submitter. Criteria: ACMG Guidelines, 2015. Collection method: clinical testing. Allele origin: germline.

CeGaT Center for Human Genetics Tuebingen
Classification: Uncertain significance. Last evaluated: 2019-06-01. Review status: criteria provided, single submitter. Criteria: CeGaT Center For Human Genetics Tuebingen Variant Classification Criteria Version 2. Collection method: clinical testing. Allele origin: germline. Affected: yes. Observed: 1 variant allele.

Literature cited by the submitters: PubMed 17576681 (cited by Labcorp Genetics (formerly Invitae), Labcorp); PubMed 9536098 (cited by Labcorp Genetics (formerly Invitae), Labcorp).

NM_006204.4(PDE6C):c.2284-3T>C

Gene: PDE6C (phosphodiesterase 6C; plus strand). Cytogenetic location: 10q23.33.
Variant type: single nucleotide variant.
Coding change: c.2284-3T>C on transcript NM_006204.4 (MANE Select); 3 bases into the intron before coding-DNA position 2284, T replaced by C.
Molecular consequence: intron variant.
Genome position (GRCh38, 1-based): chr10:93,662,557, T>C. VCF-style: chr10-93662557-T-C. GRCh37 (hg19) VCF-style: chr10-95422314-T-C.
Identifiers: ClinVar variation 806546 (VCV000806546.47), dbSNP rs771856389, ClinGen allele CA5610470.